The following is an entry in ClinVar:

ClinVar aggregate classification (germline): Pathogenic (1 of 4 stars; one submission).

Conditions:
Cystic fibrosis (CF). Also called: MUCOVISCIDOSIS. Identifiers: Orphanet 586, MedGen C0010674, MONDO:0009061, OMIM 219700. Disease mechanism: loss of function.

Submission:

Johns Hopkins Genomics, Johns Hopkins University
Classification: Pathogenic for Cystic fibrosis. Last evaluated: 2020-04-27. Review status: criteria provided, single submitter. Criteria: ACMG Guidelines, 2015. Collection method: clinical testing. Allele origin: germline.
Comment: This CFTR variant has been previously reported in a patient with cystic fibrosis. It is absent from ClinVar and a large population dataset. c.2988+2T>C alters a canonical splice donor site and is predicted to cause abnormal gene splicing. We consider this variant to be pathogenic.

Literature cited by the submitters: PubMed 22490504.

NM_000492.4(CFTR):c.2988+2T>C

Genes: CFTR (CF transmembrane conductance regulator; plus strand), CFTR-AS2 (CFTR antisense RNA 2; minus strand). Cytogenetic location: 7q31.2.
Variant type: single nucleotide variant.
Coding change: c.2988+2T>C on transcript NM_000492.4 (MANE Select); the canonical splice donor site of the intron after coding-DNA position 2988, T replaced by C.
Molecular consequence: splice donor variant.
Genome position (GRCh38, 1-based): chr7:117,606,755, T>C. VCF-style: chr7-117606755-T-C. GRCh37 (hg19) VCF-style: chr7-117246809-T-C.
Identifiers: ClinVar variation 973892 (VCV000973892.1), dbSNP rs1792307406, ClinGen allele CA368989263.